The following is an entry in ClinVar:

ClinVar aggregate classification (germline): Uncertain significance (1 of 4 stars; one submission).

Allele frequency attached by ClinVar (database versions not stated): TOPMed 0.00004; ExAC 0.00005; gnomAD 0.00011; gnomAD exomes 0.00011.
gnomAD v4.1: 185 of 1,613,890 alleles (0.011%); highest among the groups gnomAD compares: Non-Finnish European, 0.011%; no homozygotes.

Submission:

Labcorp Genetics (formerly Invitae), Labcorp
Classification: Uncertain significance. Last evaluated: 2025-06-20. Review status: criteria provided, single submitter. Criteria: Invitae Variant Classification Sherloc (09022015). Collection method: clinical testing. Allele origin: germline.
Comment: This sequence change replaces glycine, which is neutral and non-polar, with alanine, which is neutral and non-polar, at codon 2679 of the FAT1 protein (p.Gly2679Ala). This variant is present in population databases (rs751303040, gnomAD 0.05%). This variant has not been reported in the literature in individuals affected with FAT1-related conditions. ClinVar contains an entry for this variant (Variation ID: 2428354). Invitae Evidence Modeling of protein sequence and biophysical properties (such as structural, functional, and spatial information, amino acid conservation, physicochemical variation, residue mobility, and thermodynamic stability) indicates that this missense variant is expected to disrupt FAT1 protein function with a positive predictive value of 80%. In summary, the available evidence is currently insufficient to determine the role of this variant in disease. Therefore, it has been classified as a Variant of Uncertain Significance.

NM_005245.4(FAT1):c.8036G>C (p.Gly2679Ala)

Gene: FAT1 (FAT atypical cadherin 1; minus strand). Cytogenetic location: 4q35.2.
Variant type: single nucleotide variant.
Coding change: c.8036G>C on transcript NM_005245.4 (MANE Select); coding-DNA position 8036, G replaced by C.
Protein change: p.Gly2679Ala; replaces glycine 2679 with alanine.
Molecular consequence: missense variant.
Genome position (GRCh38, 1-based): chr4:186,618,550, C>G on the plus strand (G>C on the coding strand, the complement: FAT1 is on the minus strand). VCF-style: chr4-186618550-C-G. GRCh37 (hg19) VCF-style: chr4-187539704-C-G.
Other names: short protein forms G2679A.
Identifiers: ClinVar variation 2428354 (VCV002428354.6), dbSNP rs751303040, ClinGen allele CA3165945.